The following is an entry in ClinVar:

ClinVar aggregate classification (germline): Uncertain significance (1 of 4 stars; one submission).

Conditions:
Arrhythmogenic right ventricular dysplasia 9 (ARVD9). Also called: Arrhythmogenic Right Ventricular Dysplasia/Cardiomyopathy 9; ARRHYTHMOGENIC RIGHT VENTRICULAR DYSPLASIA, FAMILIAL, 9. Identifiers: MedGen C1836906, MONDO:0012180, OMIM 609040.

Submission:

Labcorp Genetics (formerly Invitae), Labcorp
Classification: Uncertain significance for Arrhythmogenic right ventricular dysplasia 9. Last evaluated: 2025-11-18. Review status: criteria provided, single submitter. Criteria: Invitae Variant Classification Sherloc (09022015). Collection method: clinical testing. Allele origin: germline.
Comment: This sequence change falls in intron 2 of the PKP2 gene. It does not directly change the encoded amino acid sequence of the PKP2 protein. It affects a nucleotide within the consensus splice site. This variant is not present in population databases (gnomAD no frequency). This variant has not been reported in the literature in individuals affected with PKP2-related conditions. Variants that disrupt the consensus splice site are a relatively common cause of aberrant splicing (PMID: 17576681, 9536098). Algorithms developed to predict the effect of sequence changes on RNA splicing suggest that this variant is not likely to affect RNA splicing. In summary, the available evidence is currently insufficient to determine the role of this variant in disease. Therefore, it has been classified as a Variant of Uncertain Significance.

Literature cited by the submitters: PubMed 17576681; PubMed 9536098.

NM_001005242.3(PKP2):c.336+4G>C

Gene: PKP2 (plakophilin 2; minus strand). Cytogenetic location: 12p11.21.
Variant type: single nucleotide variant.
Coding change: c.336+4G>C on transcript NM_001005242.3 (MANE Select); 4 bases into the intron after coding-DNA position 336, G replaced by C.
Molecular consequence: intron variant.
Genome position (GRCh38, 1-based): chr12:32,878,916, C>G on the plus strand (G>C on the coding strand, the complement: PKP2 is on the minus strand). VCF-style: chr12-32878916-C-G. GRCh37 (hg19) VCF-style: chr12-33031850-C-G.
Other names: c.336+4G>C (NM_001407156.1, NM_001407155.1, NM_004572.4 and 2 more transcripts); c.9+4G>C (NM_001407160.1, NM_001407159.1, NM_001407158.1 and 1 more transcripts).
Identifiers: ClinVar variation 4731424 (VCV004731424.1).